The following is an entry in ClinVar:

NM_015629.4(PRPF31):c.698-2A>G

Gene: PRPF31 (pre-mRNA processing factor 31; plus strand). Cytogenetic location: 19q13.42.
Variant type: single nucleotide variant.
Coding change: c.698-2A>G on transcript NM_015629.4 (MANE Select); the canonical splice acceptor site of the intron before coding-DNA position 698, A replaced by G.
Molecular consequence: splice acceptor variant.
Genome position (GRCh38, 1-based): chr19:54,124,497, A>G. VCF-style: chr19-54124497-A-G. GRCh37 (hg19) VCF-style: chr19-54627876-A-G.
Identifiers: ClinVar variation 3647199 (VCV003647199.2).

ClinVar aggregate classification (germline): Pathogenic (1 of 4 stars; one submission).

Submission:

Labcorp Genetics (formerly Invitae), Labcorp
Classification: Pathogenic. Last evaluated: 2025-01-15. Review status: criteria provided, single submitter. Criteria: Invitae Variant Classification Sherloc (09022015). Collection method: clinical testing. Allele origin: germline.
Comment: This sequence change affects an acceptor splice site in intron 7 of the PRPF31 gene. It is expected to disrupt RNA splicing. Variants that disrupt the donor or acceptor splice site typically lead to a loss of protein function (PMID: 16199547), and loss-of-function variants in PRPF31 are known to be pathogenic (PMID: 18317597, 23950152). This variant is not present in population databases (gnomAD no frequency). Disruption of this splice site has been observed in individuals with PRPF31-related conditions (PMID: 27898983, 29785639). Algorithms developed to predict the effect of sequence changes on RNA splicing suggest that this variant may disrupt the consensus splice site. For these reasons, this variant has been classified as Pathogenic.

Literature cited by the submitters: PubMed 16199547; PubMed 18317597; PubMed 23950152; PubMed 27898983; PubMed 29785639.